The following is an entry in ClinVar:

ClinVar aggregate classification (germline): Uncertain significance (1 of 4 stars; one submission).

Conditions:
Ataxia-telangiectasia syndrome (AT). Also called: Ataxia-telangiectasia, complementation group D; AT, COMPLEMENTATION GROUP C; Cerebello-oculocutaneous telangiectasia; Immunodeficiency with ataxia telangiectasia; Ataxia-telangiectasia, complementation group E; LOUIS-BAR SYNDROME. Identifiers: Orphanet 100, MedGen C0004135, MONDO:0008840, OMIM 208900.

Submission:

Labcorp Genetics (formerly Invitae), Labcorp
Classification: Uncertain significance for Ataxia-telangiectasia syndrome. Last evaluated: 2021-02-22. Review status: criteria provided, single submitter. Criteria: Invitae Variant Classification Sherloc (09022015). Collection method: clinical testing. Allele origin: germline.
Comment: This variant is not present in population databases (ExAC no frequency). This variant has not been reported in the literature in individuals with ATM-related conditions. Experimental studies and prediction algorithms are not available or were not evaluated, and the functional significance of this variant is currently unknown. In summary, the available evidence is currently insufficient to determine the role of this variant in disease. Therefore, it has been classified as a Variant of Uncertain Significance. This variant, c.435_437dup, results in the insertion of 1 amino acid(s) to the ATM protein (p.Leu146dup), but otherwise preserves the integrity of the reading frame.

NM_000051.4(ATM):c.432ACT[3] (p.Leu146dup)

Gene: ATM (ATM serine/threonine kinase; plus strand). Cytogenetic location: 11q22.3.
Variant type: Microsatellite.
Coding change: c.432ACT[3] on transcript NM_000051.4 (MANE Select); three copies in a row of the 3-base unit ACT starting at c.432; the reference has two copies in a row; one copy, 3 bases duplicated.
Protein change: p.Leu146dup; duplicates leucine 146.
Molecular consequence: inframe insertion.
Genome position (GRCh38, 1-based): chr11:108,235,773-108,235,775, ACT duplicated; duplicating any 3 consecutive bases within chr11:108,235,769-108,235,775 gives the same sequence; the position shown is the placement nearest the transcript's 3' end. VCF-style (leftmost placement, unchanged base first): chr11-108235768-A-ATAC. GRCh37 (hg19) VCF-style: chr11-108106495-A-ATAC.
Other names: c.432ACT[3], p.Leu146dup (NM_001351834.2).
Identifiers: ClinVar variation 1461931 (VCV001461931.8), dbSNP rs2135124161, ClinGen allele CA2580616420.
Genomic context (GRCh38, chr11:108,235,768, plus strand): 5'-ATCATGGATACAGTGAAAGATTCATCTAATGGTGCTATTTACGGAGCTGATTGTAGCAAC[A>ATAC]TACTACTCAAAGACATTCTTTCTGTGAGAAAATACTGGTGTGAAATATCTCAGCAACAGT-3'